The following is an entry in ClinVar:

NM_001242896.3(DEPDC5):c.1142A>G (p.Lys381Arg)

Gene: DEPDC5 (DEP domain containing 5, GATOR1 subcomplex subunit; plus strand). Cytogenetic location: 22q12.3.
Variant type: single nucleotide variant.
Coding change: c.1142A>G on transcript NM_001242896.3 (MANE Select); coding-DNA position 1142, A replaced by G.
Protein change: p.Lys381Arg; replaces lysine 381 with arginine.
Molecular consequence: missense variant. On other transcripts: non-coding transcript variant (5).
Genome position (GRCh38, 1-based): chr22:31,804,222, A>G. VCF-style: chr22-31804222-A-G. GRCh37 (hg19) VCF-style: chr22-32200208-A-G.
Other names: c.1142A>G, p.Lys381Arg (NM_001007188.4, NM_001136029.4, NM_001242897.2 and 7 more transcripts); c.1058A>G, p.Lys353Arg (NM_001369901.1, NM_001369902.1); c.1142A>G (NM_001242896.1); short protein forms K381R, K353R.
Identifiers: ClinVar variation 2727739 (VCV002727739.4), dbSNP rs1464431737, ClinGen allele CA411293493.

ClinVar aggregate classification (germline): Uncertain significance. Review status: criteria provided, multiple submitters, no conflicts (2 of 4 stars). 2 submissions from 2 submitters: Uncertain significance (2). Last evaluated 2025-02-19.

Conditions:
Familial focal epilepsy with variable foci (FPEVF). Identifiers: Orphanet 98820, MedGen C1858477, MONDO:0020310.
DEPDC5-related disorder. Also called: DEPDC5-related condition; DEPDC5-related related disorder.

Allele frequency attached by ClinVar (database versions not stated): TOPMed below 0.00001; gnomAD 0.00001; gnomAD exomes 0.00001.
gnomAD v4.1: 6 of 1,613,958 alleles (0.00037%); highest among the groups gnomAD compares: South Asian, 0.0033%; no homozygotes.

Submissions (2):

Labcorp Genetics (formerly Invitae), Labcorp
Classification: Uncertain significance for Familial focal epilepsy with variable foci. Last evaluated: 2025-02-19. Review status: criteria provided, single submitter. Criteria: Invitae Variant Classification Sherloc (09022015). Collection method: clinical testing. Allele origin: germline.
Comment: This sequence change replaces lysine, which is basic and polar, with arginine, which is basic and polar, at codon 381 of the DEPDC5 protein (p.Lys381Arg). This variant is present in population databases (no rsID available, gnomAD 0.006%). This variant has not been reported in the literature in individuals affected with DEPDC5-related conditions. ClinVar contains an entry for this variant (Variation ID: 2727739). Experimental studies and prediction algorithms are not available or were not evaluated, and the functional significance of this variant is currently unknown. Algorithms developed to predict the effect of sequence changes on RNA splicing suggest that this variant may disrupt the consensus splice site. In summary, the available evidence is currently insufficient to determine the role of this variant in disease. Therefore, it has been classified as a Variant of Uncertain Significance.

PreventionGenetics, part of Exact Sciences
Classification: Uncertain significance for DEPDC5-related condition. Last evaluated: 2025-01-13. Review status: criteria provided, single submitter. Criteria: ACMG Guidelines, 2015. Collection method: clinical testing. Allele origin: germline.
Comment: The DEPDC5 c.1142A>G variant is predicted to result in the amino acid substitution p.Lys381Arg. To our knowledge, this variant has not been reported in the literature. This variant is reported in 0.0065% of alleles in individuals of South Asian descent in gnomAD. At this time, the clinical significance of this variant is uncertain due to the absence of conclusive functional and genetic evidence.